The following is an entry in ClinVar:

NM_014975.3(MAST1):c.436G>A (p.Glu146Lys)

Gene: MAST1 (microtubule associated serine/threonine kinase 1; plus strand). Cytogenetic location: 19p13.13.
Variant type: single nucleotide variant.
Coding change: c.436G>A on transcript NM_014975.3 (MANE Select); coding-DNA position 436, G replaced by A.
Protein change: p.Glu146Lys; replaces glutamic acid 146 with lysine.
Molecular consequence: missense variant.
Genome position (GRCh38, 1-based): chr19:12,847,398, G>A. VCF-style: chr19-12847398-G-A. GRCh37 (hg19) VCF-style: chr19-12958212-G-A.
Other names: short protein forms E146K.
Identifiers: ClinVar variation 2117578 (VCV002117578.4), dbSNP rs2512523446, ClinGen allele CA404258970.

ClinVar aggregate classification (germline): Uncertain significance (1 of 4 stars; one submission).

Submission:

Labcorp Genetics (formerly Invitae), Labcorp
Classification: Uncertain significance. Last evaluated: 2024-12-03. Review status: criteria provided, single submitter. Criteria: Invitae Variant Classification Sherloc (09022015). Collection method: clinical testing. Allele origin: germline.
Comment: This sequence change replaces glutamic acid, which is acidic and polar, with lysine, which is basic and polar, at codon 146 of the MAST1 protein (p.Glu146Lys). This variant is not present in population databases (gnomAD no frequency). This variant has not been reported in the literature in individuals affected with MAST1-related conditions. ClinVar contains an entry for this variant (Variation ID: 2117578). An algorithm developed to predict the effect of missense changes on protein structure and function (PolyPhen-2) suggests that this variant is likely to be tolerated. In summary, the available evidence is currently insufficient to determine the role of this variant in disease. Therefore, it has been classified as a Variant of Uncertain Significance.